The following is an entry in ClinVar:

ClinVar aggregate classification (germline): Likely benign. Review status: criteria provided, multiple submitters, no conflicts (2 of 4 stars). 5 submissions from 5 submitters: Likely benign (5). Last evaluated 2026-08-01.

Conditions:
Hereditary cancer-predisposing syndrome. Also called: Hereditary neoplastic syndrome; Tumor predisposition; Neoplastic Syndromes, Hereditary; Hereditary Cancer Syndrome. Identifiers: Orphanet 140162, MedGen C0027672, MeSH D009386, MONDO:0015356.
Multiple endocrine neoplasia, type 2 (MEN2). Identifiers: Orphanet 653, MedGen C4048306, MONDO:0019003. Disease mechanism: gain of function.

Allele frequency attached by ClinVar (database versions not stated): gnomAD exomes 0.00001 and 0.00004; gnomAD 0.00003; TOPMed 0.00003.

Submissions (5):

CeGaT Center for Human Genetics Tuebingen
Classification: Likely benign. Last evaluated: 2026-08-01. Review status: criteria provided, single submitter. Criteria: CeGaT Center For Human Genetics Tuebingen Variant Classification Criteria Version 2. Collection method: clinical testing. Allele origin: germline. Affected: yes. Observed: 2 variant alleles.
Comment: RET: BP4, BP7

Labcorp Genetics (formerly Invitae), Labcorp
Classification: Likely benign for Multiple endocrine neoplasia, type 2. Last evaluated: 2025-10-07. Review status: criteria provided, single submitter. Criteria: Invitae Variant Classification Sherloc (09022015). Collection method: clinical testing. Allele origin: germline.

All of Us Research Program, National Institutes of Health
Classification: Likely benign for Multiple endocrine neoplasia, type 2. Last evaluated: 2024-05-14. Review status: criteria provided, single submitter. Criteria: ACMG Guidelines, 2015. Collection method: clinical testing. Allele origin: germline. Inheritance: Autosomal dominant inheritance. Observed: 4 variant alleles, 4 heterozygotes.
Comment: This study involves interpretation of variants in research participants for the purpose of population health screening. Participant phenotype was not available at the time of variant classification. Additional details can be found in publication PMID: 35346344, PMCID: PMC8962531

Sema4
Classification: Likely benign for Hereditary cancer-predisposing syndrome. Last evaluated: 2022-02-04. Review status: criteria provided, single submitter. Criteria: Sema4 Curation Guidelines. Collection method: curation. Allele origin: germline.

Ambry Genetics
Classification: Likely benign for Hereditary cancer-predisposing syndrome. Last evaluated: 2019-09-20. Review status: criteria provided, single submitter. Criteria: Ambry Variant Classification Scheme 2023. Collection method: clinical testing. Allele origin: germline.

NM_020975.6(RET):c.46C>T (p.Leu16=)

Gene: RET (ret proto-oncogene; plus strand). Cytogenetic location: 10q11.21.
Variant type: single nucleotide variant.
Coding change: c.46C>T on transcript NM_020975.6 (MANE Select); coding-DNA position 46, C replaced by T.
Protein change: p.Leu16=; no amino-acid change (leucine 16 retained).
Molecular consequence: synonymous variant.
Genome position (GRCh38, 1-based): chr10:43,077,304, C>T. VCF-style: chr10-43077304-C-T. GRCh37 (hg19) VCF-style: chr10-43572752-C-T.
Other names: c.46C>T, p.Leu16= (NM_000323.2, NM_001406743.1, NM_001406744.1 and 38 more transcripts).
Identifiers: ClinVar variation 477376 (VCV000477376.25), dbSNP rs1309896929, ClinGen allele CA469274997.